The following is an entry in ClinVar:

NM_000051.4(ATM):c.5286_5293del (p.Tyr1763fs)

Gene: ATM (ATM serine/threonine kinase; plus strand). Cytogenetic location: 11q22.3.
Variant type: Deletion.
Coding change: c.5286_5293del on transcript NM_000051.4 (MANE Select); coding-DNA positions 5286 to 5293, 8 bases deleted (CTATCTAC; older notation c.5286_5293delCTATCTAC).
Protein change: p.Tyr1763fs; shifts the reading frame from tyrosine 1763.
Molecular consequence: frameshift variant.
Genome position (GRCh38, 1-based): chr11:108,301,756-108,301,763, CTATCTAC deleted; deleting any 8 consecutive bases within chr11:108,301,755-108,301,763 gives the same sequence; the c. name uses the placement nearest the transcript's 3' end. VCF-style (leftmost placement, unchanged base first): chr11-108301754-GCCTATCTA-G. GRCh37 (hg19) VCF-style: chr11-108172481-GCCTATCTA-G.
Other names: c.5286_5293delCTATCTAC (NM_000051.3); c.5286_5293del, p.Tyr1763fs (NM_001351834.2); short protein forms Y1763fs.
Identifiers: ClinVar variation 645548 (VCV000645548.6), dbSNP rs1591709001, ClinGen allele CA915947627.

ClinVar aggregate classification (germline): Pathogenic (1 of 4 stars; one submission).

Conditions:
Ataxia-telangiectasia syndrome (AT). Also called: LOUIS-BAR SYNDROME; Ataxia-telangiectasia, complementation group E; Ataxia-telangiectasia, complementation group D; AT, COMPLEMENTATION GROUP C; Ataxia telangiectasia (A-T); Cerebello-oculocutaneous telangiectasia. Identifiers: Orphanet 100, MedGen C0004135, MONDO:0008840, OMIM 208900.

Submission:

Labcorp Genetics (formerly Invitae), Labcorp
Classification: Pathogenic for Ataxia-telangiectasia syndrome. Last evaluated: 2018-08-02. Review status: criteria provided, single submitter. Criteria: Invitae Variant Classification Sherloc (09022015). Collection method: clinical testing. Allele origin: germline.
Comment: This sequence change creates a premature translational stop signal (p.Tyr1763Alafs*3) in the ATM gene. It is expected to result in an absent or disrupted protein product. This variant is not present in population databases (ExAC no frequency). This variant has not been reported in the literature in individuals with ATM-related disease. Loss-of-function variants in ATM are known to be pathogenic (PMID: 23807571, 25614872). For these reasons, this variant has been classified as Pathogenic.

Literature cited by the submitters: PubMed 23807571; PubMed 25614872.